The following is an entry in ClinVar:

NM_000465.4(BARD1):c.1441C>T (p.Leu481Phe)

Gene: BARD1 (BRCA1 associated RING domain 1; minus strand). Cytogenetic location: 2q35.
Variant type: single nucleotide variant.
Coding change: c.1441C>T on transcript NM_000465.4 (MANE Select); coding-DNA position 1441, C replaced by T.
Protein change: p.Leu481Phe; replaces leucine 481 with phenylalanine.
Molecular consequence: missense variant. On other transcripts: non-coding transcript variant (3), intron variant (3).
Genome position (GRCh38, 1-based): chr2:214,767,609, G>A on the plus strand (C>T on the coding strand, the complement: BARD1 is on the minus strand). VCF-style: chr2-214767609-G-A. GRCh37 (hg19) VCF-style: chr2-215632333-G-A.
Other names: c.1384C>T, p.Leu462Phe (NM_001282543.2); c.159-15054C>T (NM_001282548.2); c.216-15054C>T (NM_001282545.2); c.364+24688C>T (NM_001282549.2); short protein forms L462F, L481F.
Identifiers: ClinVar variation 819227 (VCV000819227.13), dbSNP rs1466783591, ClinGen allele CA350448577.
Genomic context (GRCh38, chr2:214,767,609, plus strand): 5'-CATCGTGAAGTGGTGAGTCATTTTGATACCCGGTGGTGTTCACCAATGCCTTATGCTGGA[G>A]CAATAATTCCACTACCTTCAGGTGCCCATGATTGCAAGCTTCATGCTAATTAAATTTTTT-3'
Protein context (NP_000456.2, residues 471-491): HGHLKVVELL[Leu481Phe]QHKALVNTTG

ClinVar aggregate classification (germline): Uncertain significance. Review status: criteria provided, multiple submitters, no conflicts (2 of 4 stars). 2 submissions from 2 submitters: Uncertain significance (2). Last evaluated 2025-11-30.

Conditions:
Hereditary cancer-predisposing syndrome. Also called: Tumor predisposition; Hereditary neoplastic syndrome; Neoplastic Syndromes, Hereditary; Hereditary Cancer Syndrome. Identifiers: Orphanet 140162, MedGen C0027672, MeSH D009386, MONDO:0015356.
Familial cancer of breast. Also called: hereditary breast carcinoma; Hereditary breast cancer; BREAST CANCER, FAMILIAL. Identifiers: Orphanet 227535, MedGen C0346153, MONDO:0016419, OMIM 114480. Disease mechanism: loss of function.

Allele frequency attached by ClinVar (database versions not stated): TOPMed below 0.00001.

Submissions (2):

Labcorp Genetics (formerly Invitae), Labcorp
Classification: Uncertain significance for Familial cancer of breast. Last evaluated: 2025-11-30. Review status: criteria provided, single submitter. Criteria: Invitae Variant Classification Sherloc (09022015). Collection method: clinical testing. Allele origin: germline.
Comment: This sequence change replaces leucine, which is neutral and non-polar, with phenylalanine, which is neutral and non-polar, at codon 481 of the BARD1 protein (p.Leu481Phe). This variant is not present in population databases (gnomAD no frequency). This variant has not been reported in the literature in individuals affected with BARD1-related conditions. ClinVar contains an entry for this variant (Variation ID: 819227). An algorithm developed to predict the effect of missense changes on protein structure and function (PolyPhen-2) suggests that this variant is likely to be disruptive. In summary, the available evidence is currently insufficient to determine the role of this variant in disease. Therefore, it has been classified as a Variant of Uncertain Significance.

Ambry Genetics
Classification: Uncertain significance for Hereditary cancer-predisposing syndrome. Last evaluated: 2023-11-15. Review status: criteria provided, single submitter. Criteria: Ambry Variant Classification Scheme 2023. Collection method: clinical testing. Allele origin: germline.
Comment: The p.L481F variant (also known as c.1441C>T), located in coding exon 6 of the BARD1 gene, results from a C to T substitution at nucleotide position 1441. The leucine at codon 481 is replaced by phenylalanine, an amino acid with highly similar properties. This amino acid position is well conserved in available vertebrate species. In addition, the in silico prediction for this alteration is inconclusive. Since supporting evidence is limited at this time, the clinical significance of this alteration remains unclear.